The following is an entry in ClinVar:

NM_001171.6(ABCC6):c.3326C>T (p.Ser1109Leu)

Gene: ABCC6 (ATP binding cassette subfamily C member 6; minus strand). Cytogenetic location: 16p13.11.
Variant type: single nucleotide variant.
Coding change: c.3326C>T on transcript NM_001171.6 (MANE Select); coding-DNA position 3326, C replaced by T.
Protein change: p.Ser1109Leu; replaces serine 1109 with leucine.
Molecular consequence: missense variant.
Genome position (GRCh38, 1-based): chr16:16,163,173, G>A on the plus strand (C>T on the coding strand, the complement: ABCC6 is on the minus strand). VCF-style: chr16-16163173-G-A. GRCh37 (hg19) VCF-style: chr16-16257030-G-A.
Other names: c.2984C>T, p.Ser995Leu (NM_001351800.1); short protein forms S1109L, S995L.
Identifiers: ClinVar variation 1431403 (VCV001431403.6), dbSNP rs758648156, ClinGen allele CA278631696.

ClinVar aggregate classification (germline): Uncertain significance. Review status: criteria provided, multiple submitters, no conflicts (2 of 4 stars). 2 submissions from 2 submitters: Uncertain significance (2). Last evaluated 2022-10-17.

Conditions:
Autosomal recessive inherited pseudoxanthoma elasticum (PXE). Identifiers: Orphanet 758, MedGen CN032334, MONDO:0009925, OMIM 264800.
Pseudoxanthoma elasticum, forme fruste. Also called: Pseudoxanthoma Elasticum, Incomplete; PSEUDOXANTHOMA ELASTICUM, HETEROZYGOUS. Identifiers: Orphanet 758, MedGen C1867450, MONDO:0008333, OMIM 177850.
Arterial calcification, generalized, of infancy, 2. Identifiers: Orphanet 51608, MedGen C3276161, MONDO:0013768, OMIM 614473.

Allele frequency attached by ClinVar (database versions not stated): gnomAD exomes 0.00001; TOPMed 0.00001.
gnomAD v4.1: 7 of 1,613,540 alleles (0.00043%); highest among the groups gnomAD compares: Non-Finnish European, 0.00059%; no homozygotes.

Submissions (2):

Labcorp Genetics (formerly Invitae), Labcorp
Classification: Uncertain significance. Last evaluated: 2022-10-17. Review status: criteria provided, single submitter. Criteria: Invitae Variant Classification Sherloc (09022015). Collection method: clinical testing. Allele origin: germline.
Comment: This sequence change replaces serine, which is neutral and polar, with leucine, which is neutral and non-polar, at codon 1109 of the ABCC6 protein (p.Ser1109Leu). This variant is not present in population databases (gnomAD no frequency). This variant has not been reported in the literature in individuals affected with ABCC6-related conditions. ClinVar contains an entry for this variant (Variation ID: 1431403). Algorithms developed to predict the effect of missense changes on protein structure and function output the following: SIFT: "Tolerated"; PolyPhen-2: "Benign"; Align-GVGD: "Class C0". The leucine amino acid residue is found in multiple mammalian species, which suggests that this missense change does not adversely affect protein function. In summary, the available evidence is currently insufficient to determine the role of this variant in disease. Therefore, it has been classified as a Variant of Uncertain Significance.

Fulgent Genetics
Classification: Uncertain significance for Pseudoxanthoma elasticum, forme fruste; Autosomal recessive inherited pseudoxanthoma elasticum; Arterial calcification, generalized, of infancy, 2. Last evaluated: 2021-11-27. Review status: criteria provided, single submitter. Criteria: ACMG Guidelines, 2015. Collection method: clinical testing. Allele origin: unknown.